The following is an entry in ClinVar:

NM_020778.5(ALPK3):c.1014C>T (p.Ser338=)

Gene: ALPK3 (alpha kinase 3; plus strand). Cytogenetic location: 15q25.3.
Variant type: single nucleotide variant.
Coding change: c.1014C>T on transcript NM_020778.5 (MANE Select); coding-DNA position 1014, C replaced by T.
Protein change: p.Ser338=; no amino-acid change (serine 338 retained).
Molecular consequence: synonymous variant.
Genome position (GRCh38, 1-based): chr15:84,840,293, C>T. VCF-style: chr15-84840293-C-T. GRCh37 (hg19) VCF-style: chr15-85383524-C-T.
Identifiers: ClinVar variation 3031740 (VCV003031740.2), dbSNP rs750533329, ClinGen allele CA492277482.
Genomic context (GRCh38, chr15:84,840,293, plus strand): 5'-GAAAGATGAGGAATCCAAGCAAGGCCTGCGGAAGCCAGAGTTAGAGAAGGCAGCCCAAAG[C>T]CGCCGTTCTTCAGAAAACTGCATCCCCAGCTCAGACGAGCCTGACTCCTGTGGGACTCAG-3'
Protein context (NP_065829.4, residues 328-348): RKPELEKAAQ[Ser338=]RRSSENCIPS

ClinVar aggregate classification (germline): Likely benign (0 of 4 stars; one submission).

Conditions:
ALPK3-related disorder. Also called: ALPK3-related condition.

Submission:

PreventionGenetics, part of Exact Sciences
Classification: Likely benign for ALPK3-related condition. Last evaluated: 2020-08-24. Review status: no assertion criteria provided. Collection method: clinical testing. Allele origin: germline.
Comment: This variant is classified as likely benign based on ACMG/AMP sequence variant interpretation guidelines (Richards et al. 2015 PMID: 25741868, with internal and published modifications).